The following is an entry in ClinVar:

NM_005045.4(RELN):c.3913-9T>C

Gene: RELN (reelin; minus strand). Cytogenetic location: 7q22.1.
Variant type: single nucleotide variant.
Coding change: c.3913-9T>C on transcript NM_005045.4 (MANE Select); 9 bases into the intron before coding-DNA position 3913, T replaced by C.
Molecular consequence: intron variant.
Genome position (GRCh38, 1-based): chr7:103,589,837, A>G on the plus strand (T>C on the coding strand, the complement: RELN is on the minus strand). VCF-style: chr7-103589837-A-G. GRCh37 (hg19) VCF-style: chr7-103230284-A-G.
Other names: c.3913-9T>C (NM_173054.3).
Identifiers: ClinVar variation 290844 (VCV000290844.22), dbSNP rs372473867, ClinGen allele CA4421634.

ClinVar aggregate classification (germline): Conflicting classifications of pathogenicity. Review status: criteria provided, conflicting classifications (1 of 4 stars). 5 submissions from 5 submitters: Uncertain significance (2); Likely benign (2). 1 of the submissions does not count toward it. Last evaluated 2026-06-15.

Conditions:
RELN-related disorder. Also called: RELN-related condition.
Norman-Roberts syndrome (LIS2). Also called: Lissencephaly 2 (Norman-Roberts type). Identifiers: Orphanet 89844, MedGen C0796089, MONDO:0009760, OMIM 257320.
Familial temporal lobe epilepsy 7. Identifiers: Orphanet 101046, MedGen C4225327, MONDO:0014639, OMIM 616436.

Allele frequency attached by ClinVar (database versions not stated): 1000 Genomes Project 30x 0.00031; 1000 Genomes Project 0.00040; ESP Exome Variant Server 0.00062; TOPMed 0.00078; gnomAD 0.00069 and 0.00076.
gnomAD v4.1: 200 of 1,545,304 alleles (0.013%); highest among the groups gnomAD compares: African/African-American, 0.25%; 1 homozygote.

Submissions (5):

Women's Health and Genetics/Laboratory Corporation of America, LabCorp
Classification: Likely benign. Last evaluated: 2026-06-15. Review status: criteria provided, single submitter. Criteria: LabCorp Variant Classification Summary - May 2015. Collection method: clinical testing. Allele origin: germline.

Labcorp Genetics (formerly Invitae), Labcorp
Classification: Likely benign for Familial temporal lobe epilepsy 7; Norman-Roberts syndrome. Last evaluated: 2026-01-19. Review status: criteria provided, single submitter. Criteria: Invitae Variant Classification Sherloc (09022015). Collection method: clinical testing. Allele origin: germline.

Eurofins Ntd Llc (ga)
Classification: Uncertain significance. Last evaluated: 2018-06-28. Review status: criteria provided, single submitter. Criteria: EGL ClinVar v180209 classification definitions. Collection method: clinical testing. Allele origin: germline. Observed: 2 variant alleles, 2 heterozygotes.

Illumina Laboratory Services, Illumina
Classification: Uncertain significance for Norman-Roberts syndrome. Last evaluated: 2018-01-13. Review status: criteria provided, single submitter. Criteria: ICSL Variant Classification Criteria 13 December 2019. Collection method: clinical testing. Allele origin: germline.

PreventionGenetics, part of Exact Sciences
Classification: Likely benign for RELN-related condition. Last evaluated: 2019-04-02. Review status: no assertion criteria provided. Collection method: clinical testing. Allele origin: germline. Not counted in ClinVar's aggregate classification.
Comment: This variant is classified as likely benign based on ACMG/AMP sequence variant interpretation guidelines (Richards et al. 2015 PMID: 25741868, with internal and published modifications).